The following is an entry in ClinVar:

ClinVar aggregate classification (germline): Pathogenic (1 of 4 stars; one submission).

Conditions:
Peroxisome biogenesis disorder 7A (Zellweger). Also called: Peroxisome biogenesis disorder 7A. Identifiers: Orphanet 912, MedGen C3888385, MONDO:0013938, OMIM 614872.
Peroxisome biogenesis disorder 7B (PBD7B). Identifiers: Orphanet 44, MedGen C3553951, MONDO:0013939, OMIM 614873.

Allele frequency attached by ClinVar (database versions not stated): TOPMed below 0.00001; gnomAD exomes 0.00001.
gnomAD v4.1: 15 of 1,614,078 alleles (0.00093%); highest among the groups gnomAD compares: Non-Finnish European, 0.0013%; no homozygotes.

Submission:

Labcorp Genetics (formerly Invitae), Labcorp
Classification: Pathogenic for Peroxisome biogenesis disorder 7A (Zellweger); Peroxisome biogenesis disorder 7B. Last evaluated: 2025-10-21. Review status: criteria provided, single submitter. Criteria: Invitae Variant Classification Sherloc (09022015). Collection method: clinical testing. Allele origin: germline.
Comment: This sequence change creates a premature translational stop signal (p.Gln100*) in the PEX26 gene. It is expected to result in an absent or disrupted protein product. Loss-of-function variants in PEX26 are known to be pathogenic (PMID: 12851857, 21031596). This variant is not present in population databases (gnomAD no frequency). This variant has not been reported in the literature in individuals affected with PEX26-related conditions. ClinVar contains an entry for this variant (Variation ID: 2940082). For these reasons, this variant has been classified as Pathogenic.

Literature cited by the submitters: PubMed 12851857; PubMed 21031596.

NM_001127649.3(PEX26):c.298C>T (p.Gln100Ter)

Gene: PEX26 (peroxisomal biogenesis factor 26; plus strand). Cytogenetic location: 22q11.21.
Variant type: single nucleotide variant.
Coding change: c.298C>T on transcript NM_001127649.3 (MANE Select); coding-DNA position 298, C replaced by T.
Protein change: p.Gln100Ter; replaces glutamine 100 with a stop codon.
Molecular consequence: nonsense.
Genome position (GRCh38, 1-based): chr22:18,079,941, C>T. VCF-style: chr22-18079941-C-T. GRCh37 (hg19) VCF-style: chr22-18562707-C-T.
Other names: c.298C>T, p.Gln100Ter (NM_017929.6, NM_001199319.2); short protein forms Q100*.
Identifiers: ClinVar variation 2940082 (VCV002940082.3), dbSNP rs745763987, ClinGen allele CA321285437.
Genomic context (GRCh38, chr22:18,079,941, plus strand): 5'-GAGGTGAAGTGCTCCCTGTGTGTTGTGGGGATCCAGGCCCTGGCAGAAATGGATCGGTGG[C>T]AAGAAGTCCTCTCCTGGGTCCTTCAGTATTACCAGGTCCCTGAAAAGCTACCCCCCAAAG-3'